The following is an entry in ClinVar:

ClinVar aggregate classification (germline): Uncertain significance (1 of 4 stars; one submission).

Conditions:
Hypertrophic cardiomyopathy 26. Also called: Cardiomyopathy, familial hypertrophic, 26. Identifiers: Orphanet 75249, MedGen C4310749, MONDO:0014883, OMIM 617047.
Myofibrillar myopathy 5. Also called: FILAMINOPATHY, AUTOSOMAL DOMINANT; Filaminopathy (type). Identifiers: Orphanet 171445, MedGen C1836050, MONDO:0012289, OMIM 609524.
Distal myopathy with posterior leg and anterior hand involvement. Also called: WILLIAMS DISTAL MYOPATHY. Identifiers: Orphanet 63273, MedGen C3279722, MONDO:0013550, OMIM 614065.

Allele frequency attached by ClinVar (database versions not stated): gnomAD 0.00001.

Submission:

Labcorp Genetics (formerly Invitae), Labcorp
Classification: Uncertain significance for Distal myopathy with posterior leg and anterior hand involvement; Myofibrillar myopathy 5; Hypertrophic cardiomyopathy 26. Last evaluated: 2024-12-12. Review status: criteria provided, single submitter. Criteria: Invitae Variant Classification Sherloc (09022015). Collection method: clinical testing. Allele origin: germline.
Comment: This sequence change replaces valine, which is neutral and non-polar, with methionine, which is neutral and non-polar, at codon 2672 of the FLNC protein (p.Val2672Met). The frequency data for this variant in the population databases is considered unreliable, as metrics indicate poor data quality at this position in the gnomAD database. This variant has not been reported in the literature in individuals affected with FLNC-related conditions. ClinVar contains an entry for this variant (Variation ID: 1903259). Invitae Evidence Modeling of protein sequence and biophysical properties (such as structural, functional, and spatial information, amino acid conservation, physicochemical variation, residue mobility, and thermodynamic stability) indicates that this missense variant is not expected to disrupt FLNC protein function with a negative predictive value of 95%. In summary, the available evidence is currently insufficient to determine the role of this variant in disease. Therefore, it has been classified as a Variant of Uncertain Significance.

NM_001458.5(FLNC):c.8014G>A (p.Val2672Met)

Genes: FLNC-AS1 (FLNC antisense RNA 1; minus strand), FLNC (filamin C; plus strand). Cytogenetic location: 7q32.1.
Variant type: single nucleotide variant.
Coding change: c.8014G>A on transcript NM_001458.5 (MANE Select); coding-DNA position 8014, G replaced by A.
Protein change: p.Val2672Met; replaces valine 2672 with methionine.
Molecular consequence: missense variant.
Genome position (GRCh38, 1-based): chr7:128,858,359, G>A. VCF-style: chr7-128858359-G-A. GRCh37 (hg19) VCF-style: chr7-128498413-G-A.
Other names: c.7915G>A, p.Val2639Met (NM_001127487.2); short protein forms V2639M, V2672M.
Identifiers: ClinVar variation 1903259 (VCV001903259.5), dbSNP rs1224879047, ClinGen allele CA369221138.